The following is an entry in ClinVar:

NM_006949.4(STXBP2):c.500G>C (p.Arg167Pro)

Gene: STXBP2 (syntaxin binding protein 2; plus strand). Cytogenetic location: 19p13.2.
Variant type: single nucleotide variant.
Coding change: c.500G>C on transcript NM_006949.4 (MANE Select); coding-DNA position 500, G replaced by C.
Protein change: p.Arg167Pro; replaces arginine 167 with proline.
Molecular consequence: missense variant. On other transcripts: non-coding transcript variant (1).
Genome position (GRCh38, 1-based): chr19:7,641,775, G>C. VCF-style: chr19-7641775-G-C. GRCh37 (hg19) VCF-style: chr19-7706661-G-C.
Other names: c.491G>C, p.Arg164Pro (NM_001127396.3); c.533G>C, p.Arg178Pro (NM_001272034.2); short protein forms R167P, R178P, R164P.
Identifiers: ClinVar variation 849795 (VCV000849795.8), dbSNP rs949311854, ClinGen allele CA304906940.

ClinVar aggregate classification (germline): Uncertain significance (1 of 4 stars; one submission).

Conditions:
Familial hemophagocytic lymphohistiocytosis 5. Also called: STXBP2-Related Familial Hemophagocytic Lymphohistiocytosis (STXBP2-fHLH). Identifiers: Orphanet 540, MedGen C2751293, MONDO:0013135, OMIM 613101.

Allele frequency attached by ClinVar (database versions not stated): gnomAD 0.00001; TOPMed 0.00001.
gnomAD v4.1: 11 of 1,551,564 alleles (0.00071%); highest among the groups gnomAD compares: Admixed American, 0.0078%; no homozygotes.

Submission:

Labcorp Genetics (formerly Invitae), Labcorp
Classification: Uncertain significance for Familial hemophagocytic lymphohistiocytosis 5. Last evaluated: 2024-04-05. Review status: criteria provided, single submitter. Criteria: Invitae Variant Classification Sherloc (09022015). Collection method: clinical testing. Allele origin: germline.
Comment: This sequence change replaces arginine, which is basic and polar, with proline, which is neutral and non-polar, at codon 167 of the STXBP2 protein (p.Arg167Pro). This variant is present in population databases (no rsID available, gnomAD 0.01%). This variant has not been reported in the literature in individuals affected with STXBP2-related conditions. ClinVar contains an entry for this variant (Variation ID: 849795). An algorithm developed to predict the effect of missense changes on protein structure and function (PolyPhen-2) suggests that this variant is likely to be disruptive. In summary, the available evidence is currently insufficient to determine the role of this variant in disease. Therefore, it has been classified as a Variant of Uncertain Significance.